The following is an entry in ClinVar:

ClinVar aggregate classification (germline): Benign/Likely benign. Review status: criteria provided, multiple submitters, no conflicts (2 of 4 stars). 3 submissions from 3 submitters: Benign (1); Likely benign (2). Last evaluated 2025-08-25.

Conditions:
Pheochromocytoma/paraganglioma syndrome 4. Also called: SDHB-Related Hereditary Paraganglioma-Pheochromocytoma Syndrome (Paragangliomas 4); SDHB-Related Hereditary Paraganglioma-Pheochromocytoma Syndrome; CAROTID BODY TUMORS AND MULTIPLE EXTRAADRENAL PHEOCHROMOCYTOMAS; PARAGANGLIOMA, FAMILIAL MALIGNANT; PARAGANGLIOMAS, HEREDITARY EXTRAADRENAL; PHEOCHROMOCYTOMA, FAMILIAL EXTRAADRENAL. Identifiers: Orphanet 29072, MedGen C1861848, MONDO:0007273, OMIM 115310.
Pheochromocytoma. Also called: MAX-Related Hereditary Paraganglioma-Pheochromocytoma Syndrome. Identifiers: Orphanet 29072, MedGen C0031511, MONDO:0008233, OMIM 171300, HP:0002666.
Gastrointestinal stromal tumor. Also called: Gastrointestinal stromal tumor, somatic; Gastrointestinal stroma tumor. Identifiers: Orphanet 44890, MedGen C0238198, MeSH D046152, MONDO:0011719, OMIM 606764, HP:0100723.
Hereditary cancer-predisposing syndrome. Also called: Neoplastic Syndromes, Hereditary; Tumor predisposition; Hereditary Cancer Syndrome; Hereditary neoplastic syndrome. Identifiers: Orphanet 140162, MedGen C0027672, MeSH D009386, MONDO:0015356.

Allele frequency attached by ClinVar (database versions not stated): gnomAD exomes below 0.00001 and 0.00001; TOPMed below 0.00001.
gnomAD v4.1: 3 of 1,614,082 alleles (0.00019%); highest among the groups gnomAD compares: Non-Finnish European, 0.00025%; no homozygotes.

Submissions (3):

Labcorp Genetics (formerly Invitae), Labcorp
Classification: Likely benign for Gastrointestinal stromal tumor; Pheochromocytoma/paraganglioma syndrome 4; Pheochromocytoma. Last evaluated: 2025-08-25. Review status: criteria provided, single submitter. Criteria: Invitae Variant Classification Sherloc (09022015). Collection method: clinical testing. Allele origin: germline.

Myriad Genetics, Inc.
Classification: Benign for Pheochromocytoma/paraganglioma syndrome 4. Last evaluated: 2025-03-12. Review status: criteria provided, single submitter. Criteria: Myriad Autosomal Dominant, Autosomal Recessive and X-Linked Classification Criteria (2023). Collection method: clinical testing. Allele origin: unknown.
Comment: This variant is considered benign. This variant is a silent/synonymous amino acid change and it is not expected to impact splicing.

Ambry Genetics
Classification: Likely benign for Hereditary cancer-predisposing syndrome. Last evaluated: 2020-09-28. Review status: criteria provided, single submitter. Criteria: Ambry Variant Classification Scheme 2023. Collection method: clinical testing. Allele origin: germline.

NM_003000.3(SDHB):c.138A>G (p.Arg46=)

Gene: SDHB (succinate dehydrogenase complex iron sulfur subunit B; minus strand). Cytogenetic location: 1p36.13.
Variant type: single nucleotide variant.
Coding change: c.138A>G on transcript NM_003000.3 (MANE Select); coding-DNA position 138, A replaced by G.
Protein change: p.Arg46=; no amino-acid change (arginine 46 retained).
Molecular consequence: synonymous variant.
Genome position (GRCh38, 1-based): chr1:17,044,823, T>C on the plus strand (A>G on the coding strand, the complement: SDHB is on the minus strand). VCF-style: chr1-17044823-T-C. GRCh37 (hg19) VCF-style: chr1-17371318-T-C.
Identifiers: ClinVar variation 646758 (VCV000646758.11), dbSNP rs1392672185, ClinGen allele CA416046930.